The following is an entry in ClinVar:

NM_006516.4(SLC2A1):c.634C>G (p.Arg212Gly)

Gene: SLC2A1 (solute carrier family 2 member 1; minus strand). Cytogenetic location: 1p34.2.
Variant type: single nucleotide variant.
Coding change: c.634C>G on transcript NM_006516.4 (MANE Select); coding-DNA position 634, C replaced by G.
Protein change: p.Arg212Gly; replaces arginine 212 with glycine.
Molecular consequence: missense variant.
Genome position (GRCh38, 1-based): chr1:42,929,918, G>C on the plus strand (C>G on the coding strand, the complement: SLC2A1 is on the minus strand). VCF-style: chr1-42929918-G-C. GRCh37 (hg19) VCF-style: chr1-43395589-G-C.
Other names: short protein forms R212G.
Identifiers: ClinVar variation 4799893 (VCV004799893.1).
Genomic context (GRCh38, chr1:42,929,918, plus strand): 5'-GGGCCATGCCCGTACCACTCTTGGCCCGGTTCTCCTCGTTGCGGTTGATGAGCAGGAAGC[G>C]GGGACTCTCGGGGCAGAAGGGCAGCACGATGCACTGCAGCAGGGCCGGGATGAAGATGAT-3'
Protein context (NP_006507.2, residues 202-222): IVLPFCPESP[Arg212Gly]FLLINRNEEN

ClinVar aggregate classification (germline): Likely pathogenic (1 of 4 stars; one submission).

Conditions:
GLUT1 deficiency syndrome 1, autosomal recessive. Identifiers: MedGen C3149117.

Submission:

Labcorp Genetics (formerly Invitae), Labcorp
Classification: Likely pathogenic for GLUT1 deficiency syndrome 1, autosomal recessive. Last evaluated: 2025-12-03. Review status: criteria provided, single submitter. Criteria: Invitae Variant Classification Sherloc (09022015). Collection method: clinical testing. Allele origin: germline.
Comment: This sequence change replaces arginine, which is basic and polar, with glycine, which is neutral and non-polar, at codon 212 of the SLC2A1 protein (p.Arg212Gly). This variant is not present in population databases (gnomAD no frequency). This variant has not been reported in the literature in individuals affected with SLC2A1-related conditions. Invitae Evidence Modeling of protein sequence and biophysical properties (such as structural, functional, and spatial information, amino acid conservation, physicochemical variation, residue mobility, and thermodynamic stability) indicates that this missense variant is expected to disrupt SLC2A1 protein function with a positive predictive value of 95%. This variant disrupts the p.Arg212 amino acid residue in SLC2A1. Other variant(s) that disrupt this residue have been determined to be pathogenic (PMID: 16217704, 20129935). This suggests that this residue is clinically significant, and that variants that disrupt this residue are likely to be disease-causing. In summary, the currently available evidence indicates that the variant is pathogenic, but additional data are needed to prove that conclusively. Therefore, this variant has been classified as Likely Pathogenic.

Literature cited by the submitters: PubMed 16217704; PubMed 20129935.